The following is an entry in ClinVar:

ClinVar aggregate classification (germline): Uncertain significance (1 of 4 stars; one submission).

Allele frequency attached by ClinVar (database versions not stated): gnomAD exomes below 0.00001; ExAC 0.00001.
gnomAD v4.1: 1 of 1,614,126 alleles (0.000062%); highest among the groups gnomAD compares: East Asian, 0.0022%; no homozygotes.

Submission:

Labcorp Genetics (formerly Invitae), Labcorp
Classification: Uncertain significance. Last evaluated: 2022-11-13. Review status: criteria provided, single submitter. Criteria: Invitae Variant Classification Sherloc (09022015). Collection method: clinical testing. Allele origin: germline.
Comment: This sequence change replaces serine, which is neutral and polar, with tyrosine, which is neutral and polar, at codon 480 of the UMOD protein (p.Ser480Tyr). In summary, the available evidence is currently insufficient to determine the role of this variant in disease. Therefore, it has been classified as a Variant of Uncertain Significance. Advanced modeling of protein sequence and biophysical properties (such as structural, functional, and spatial information, amino acid conservation, physicochemical variation, residue mobility, and thermodynamic stability) performed at Invitae indicates that this missense variant is not expected to disrupt UMOD protein function. This variant has not been reported in the literature in individuals affected with UMOD-related conditions. This variant is present in population databases (rs746541949, gnomAD 0.006%).

NM_003361.4(UMOD):c.1439C>A (p.Ser480Tyr)

Gene: UMOD (uromodulin; minus strand). Cytogenetic location: 16p12.3.
Variant type: single nucleotide variant.
Coding change: c.1439C>A on transcript NM_003361.4 (MANE Select); coding-DNA position 1439, C replaced by A.
Protein change: p.Ser480Tyr; replaces serine 480 with tyrosine.
Molecular consequence: missense variant. On other transcripts: non-coding transcript variant (1).
Genome position (GRCh38, 1-based): chr16:20,341,229, G>T on the plus strand (C>A on the coding strand, the complement: UMOD is on the minus strand). VCF-style: chr16-20341229-G-T. GRCh37 (hg19) VCF-style: chr16-20352551-G-T.
Other names: c.1439C>A, p.Ser480Tyr (NM_001008389.3, NM_001378232.1, NM_001378233.1); c.1538C>A, p.Ser513Tyr (NM_001278614.2); c.1580C>A, p.Ser527Tyr (NM_001378234.1, NM_001378235.1); short protein forms S480Y, S527Y, S513Y.
Identifiers: ClinVar variation 2813991 (VCV002813991.3), dbSNP rs746541949, ClinGen allele CA7939142.